The following is an entry in ClinVar:

NM_198576.4(AGRN):c.404A>G (p.Asn135Ser)

Genes: AGRN (agrin; plus strand), LOC126805576 (P300/CBP strongly-dependent group 1 enhancer GRCh37_chr1:956772-957971; plus strand). Cytogenetic location: 1p36.33.
Variant type: single nucleotide variant.
Coding change: c.404A>G on transcript NM_198576.4 (MANE Select); coding-DNA position 404, A replaced by G.
Protein change: p.Asn135Ser; replaces asparagine 135 with serine.
Molecular consequence: missense variant.
Genome position (GRCh38, 1-based): chr1:1,022,403, A>G. VCF-style: chr1-1022403-A-G. GRCh37 (hg19) VCF-style: chr1-957783-A-G.
Other names: c.404A>G, p.Asn135Ser (NM_001305275.2); short protein forms N135S.
Identifiers: ClinVar variation 3696150 (VCV003696150.2).

ClinVar aggregate classification (germline): Uncertain significance (1 of 4 stars; one submission).

Conditions:
Congenital myasthenic syndrome 8. Also called: MYASTHENIC SYNDROME, CONGENITAL, DUE TO AGRIN DEFICIENCY; Myasthenic syndrome, congenital, 8, with pre- and postsynaptic defects. Identifiers: Orphanet 590, MedGen C3808739, MONDO:0014052, OMIM 615120.

Submission:

Labcorp Genetics (formerly Invitae), Labcorp
Classification: Uncertain significance for Congenital myasthenic syndrome 8. Last evaluated: 2024-12-05. Review status: criteria provided, single submitter. Criteria: Invitae Variant Classification Sherloc (09022015). Collection method: clinical testing. Allele origin: germline.
Comment: This sequence change replaces asparagine, which is neutral and polar, with serine, which is neutral and polar, at codon 135 of the AGRN protein (p.Asn135Ser). This variant is not present in population databases (gnomAD no frequency). This variant has not been reported in the literature in individuals affected with AGRN-related conditions. An algorithm developed to predict the effect of missense changes on protein structure and function (PolyPhen-2) suggests that this variant is likely to be tolerated. In summary, the available evidence is currently insufficient to determine the role of this variant in disease. Therefore, it has been classified as a Variant of Uncertain Significance.